The following is an entry in ClinVar:

NM_001999.4(FBN2):c.3293G>A (p.Cys1098Tyr)

Gene: FBN2 (fibrillin 2; minus strand). Cytogenetic location: 5q23.3.
Variant type: single nucleotide variant.
Coding change: c.3293G>A on transcript NM_001999.4 (MANE Select); coding-DNA position 3293, G replaced by A.
Protein change: p.Cys1098Tyr; replaces cysteine 1098 with tyrosine.
Molecular consequence: missense variant.
Genome position (GRCh38, 1-based): chr5:128,344,435, C>T on the plus strand (G>A on the coding strand, the complement: FBN2 is on the minus strand). VCF-style: chr5-128344435-C-T. GRCh37 (hg19) VCF-style: chr5-127680127-C-T.
Other names: short protein forms C1098Y.
Identifiers: ClinVar variation 2700086 (VCV002700086.3), dbSNP rs2479287232, ClinGen allele CA360761965.

ClinVar aggregate classification (germline): Likely pathogenic (1 of 4 stars; one submission).

Conditions:
Congenital contractural arachnodactyly (CCA). Also called: Beals-Hecht syndrome; BEALS SYNDROME; Arthrogryposis, distal, type 9. Identifiers: Orphanet 115, MedGen C0220668, MONDO:0007363, OMIM 121050.

Submission:

Labcorp Genetics (formerly Invitae), Labcorp
Classification: Likely pathogenic for Congenital contractural arachnodactyly. Last evaluated: 2023-12-10. Review status: criteria provided, single submitter. Criteria: Invitae Variant Classification Sherloc (09022015). Collection method: clinical testing. Allele origin: germline.
Comment: This sequence change replaces cysteine, which is neutral and slightly polar, with tyrosine, which is neutral and polar, at codon 1098 of the FBN2 protein (p.Cys1098Tyr). This variant is not present in population databases (gnomAD no frequency). This variant has not been reported in the literature in individuals affected with FBN2-related conditions. Advanced modeling of protein sequence and biophysical properties (such as structural, functional, and spatial information, amino acid conservation, physicochemical variation, residue mobility, and thermodynamic stability) performed at Invitae indicates that this missense variant is expected to disrupt FBN2 protein function with a positive predictive value of 80%. This variant affects a cysteine residue located within an epidermal growth factor (EGF)–like domain of the FBN2 protein. Cysteine residues in these domains are involved in the formation of disulfide bridges critical for protein structure and stability (PMID: 3495735, 4750422, 16677079). In addition, missense substitutions within the FBN2 EGF-like domains affecting cysteine residues are overrepresented in patients with congenital contractural arachnodactyly (PMID: 18767143). In summary, the currently available evidence indicates that the variant is pathogenic, but additional data are needed to prove that conclusively. Therefore, this variant has been classified as Likely Pathogenic.

Literature cited by the submitters: PubMed 3495735; PubMed 4750422; PubMed 16677079; PubMed 18767143.